The following is an entry in ClinVar:

NM_000399.5(EGR2):c.1290C>T (p.Ala430=)

Gene: EGR2 (early growth response 2; minus strand). Cytogenetic location: 10q21.3.
Variant type: single nucleotide variant.
Coding change: c.1290C>T on transcript NM_000399.5 (MANE Select); coding-DNA position 1290, C replaced by T.
Protein change: p.Ala430=; no amino-acid change (alanine 430 retained).
Molecular consequence: synonymous variant.
Genome position (GRCh38, 1-based): chr10:62,813,348, G>A on the plus strand (C>T on the coding strand, the complement: EGR2 is on the minus strand). VCF-style: chr10-62813348-G-A. GRCh37 (hg19) VCF-style: chr10-64573108-G-A.
Other names: c.1290C>T, p.Ala430= (NM_001136177.3, NM_001136178.2); c.1140C>T, p.Ala380= (NM_001136179.3, NM_001321037.2); c.1329C>T, p.Ala443= (NM_001410931.1).
Identifiers: ClinVar variation 2640504 (VCV002640504.24), dbSNP rs2492293015, ClinGen allele CA469996665.

ClinVar aggregate classification (germline): Likely benign (1 of 4 stars; one submission).

Submission:

CeGaT Center for Human Genetics Tuebingen
Classification: Likely benign. Last evaluated: 2022-06-01. Review status: criteria provided, single submitter. Criteria: CeGaT Center For Human Genetics Tuebingen Variant Classification Criteria Version 2. Collection method: clinical testing. Allele origin: germline. Affected: yes. Observed: 1 variant allele.
Comment: EGR2: PM2:Supporting, BP4, BP7